The following is an entry in ClinVar:

ClinVar aggregate classification (germline): Uncertain significance (1 of 4 stars; one submission).

Conditions:
Cardiomyopathy (CMYO). Also called: Cardiomyopathies. Identifiers: Orphanet 167848, MedGen C0878544, MONDO:0004994, HP:0001638. Inheritance: Various modes of inheritance.

gnomAD v4.1: 3 of 1,611,632 alleles (0.00019%); highest among the groups gnomAD compares: Non-Finnish European, 0.00025%; no homozygotes.

Submission:

Color Diagnostics, LLC DBA Color Health
Classification: Uncertain significance for Cardiomyopathy. Last evaluated: 2024-03-06. Review status: criteria provided, single submitter. Criteria: ACMG Guidelines, 2015. Collection method: clinical testing. Allele origin: germline.
Comment: This missense variant replaces lysine with asparagine at codon 136 of the TPM1 protein. Computational prediction tool is inconclusive regarding the impact of this variant on protein structure and function (internally defined REVEL score threshold 0.5 < inconclusive < 0.7, PMID: 27666373). Splice site prediction tools suggest that this variant may not impact RNA splicing. To our knowledge, functional studies have not been performed for this variant. This variant has not been reported in individuals affected with cardiovascular disorders in the literature. This variant has not been identified in the general population by the Genome Aggregation Database (gnomAD). The available evidence is insufficient to determine the role of this variant in disease conclusively. Therefore, this variant is classified as a Variant of Uncertain Significance.

NM_001018005.2(TPM1):c.408A>C (p.Lys136Asn)

Gene: TPM1 (tropomyosin 1; plus strand). Cytogenetic location: 15q22.2.
Variant type: single nucleotide variant.
Coding change: c.408A>C on transcript NM_001018005.2 (MANE Select); coding-DNA position 408, A replaced by C.
Protein change: p.Lys136Asn; replaces lysine 136 with asparagine.
Molecular consequence: missense variant.
Genome position (GRCh38, 1-based): chr15:63,059,596, A>C. VCF-style: chr15-63059596-A-C. GRCh37 (hg19) VCF-style: chr15-63351795-A-C.
Other names: c.408A>C, p.Lys136Asn (NM_000366.6, NM_001018004.2, NM_001018006.2 and 6 more transcripts); c.300A>C, p.Lys100Asn (NM_001018008.2, NM_001301289.2, NM_001330344.2 and 5 more transcripts); c.534A>C, p.Lys178Asn (NM_001365778.1); short protein forms K100N, K136N, K178N.
Identifiers: ClinVar variation 925260 (VCV000925260.4), dbSNP rs1596372037, ClinGen allele CA392722084.